The following is an entry in ClinVar:

NM_001164508.2(NEB):c.17546G>A (p.Arg5849His)

Gene: NEB (nebulin; minus strand). Cytogenetic location: 2q23.3.
Variant type: single nucleotide variant.
Coding change: c.17546G>A on transcript NM_001164508.2 (MANE Select); coding-DNA position 17546, G replaced by A.
Protein change: p.Arg5849His; replaces arginine 5849 with histidine.
Molecular consequence: missense variant.
Genome position (GRCh38, 1-based): chr2:151,568,706, C>T on the plus strand (G>A on the coding strand, the complement: NEB is on the minus strand). VCF-style: chr2-151568706-C-T. GRCh37 (hg19) VCF-style: chr2-152425220-C-T.
Other names: p.Arg5849His; c.12443G>A (NM_004543.4); c.17546G>A, p.Arg5849His (NM_001164507.2, NM_001271208.2); c.12443G>A, p.Arg4148His (NM_004543.5); short protein forms R4148H, R5849H.
Identifiers: ClinVar variation 2682749 (VCV002682749.3), dbSNP rs776552937, ClinGen allele CA1908180.

ClinVar aggregate classification (germline): Uncertain significance. Review status: criteria provided, multiple submitters, no conflicts (2 of 4 stars). 3 submissions from 3 submitters: Uncertain significance (3). Last evaluated 2025-12-11.

Conditions:
Inborn genetic diseases. Identifiers: MedGen C0950123, MeSH D030342.

Allele frequency attached by ClinVar (database versions not stated): TOPMed 0.00002; gnomAD 0.00001.
gnomAD v4.1: 13 of 1,594,150 alleles (0.00082%); highest among the groups gnomAD compares: African/African-American, 0.004%; no homozygotes.

Submissions (3):

Ambry Genetics
Classification: Uncertain significance for Inborn genetic diseases. Last evaluated: 2025-12-11. Review status: criteria provided, single submitter. Criteria: Ambry Variant Classification Scheme 2023. Collection method: clinical testing. Allele origin: germline.

Revvity Omics, Revvity
Classification: Uncertain significance. Last evaluated: 2023-10-17. Review status: criteria provided, single submitter. Criteria: ACMG Guidelines, 2015. Collection method: clinical testing. Allele origin: germline.

Mayo Clinic Laboratories, Mayo Clinic
Classification: Uncertain significance. Last evaluated: 2023-06-23. Review status: criteria provided, single submitter. Criteria: ACMG Guidelines, 2015. Collection method: clinical testing. Allele origin: germline. Observed: 1 variant allele.
Comment: PM2